The following is an entry in ClinVar:

ClinVar aggregate classification (germline): Uncertain significance (1 of 4 stars; one submission).

Conditions:
Inborn genetic diseases. Identifiers: MedGen C0950123, MeSH D030342.

Allele frequency attached by ClinVar (database versions not stated): gnomAD exomes below 0.00001; gnomAD 0.00001.
gnomAD v4.1: 2 of 1,542,942 alleles (0.00013%); highest among the groups gnomAD compares: South Asian, 0.0013%; no homozygotes.

Submission:

Ambry Genetics
Classification: Uncertain significance for Inborn genetic diseases. Last evaluated: 2021-03-22. Review status: criteria provided, single submitter. Criteria: Ambry Variant Classification Scheme 2023. Collection method: clinical testing. Allele origin: germline.
Comment: The c.1700C>T (p.T567I) alteration is located in exon 12 (coding exon 12) of the DNAJC6 gene. This alteration results from a C to T substitution at nucleotide position 1700, causing the threonine (T) at amino acid position 567 to be replaced by an isoleucine (I). The p.T567I alteration is predicted to be tolerated by in silico analysis. Based on insufficient or conflicting evidence, the clinical significance of this alteration remains unclear.

NM_001256864.2(DNAJC6):c.1871C>T (p.Thr624Ile)

Gene: DNAJC6 (DnaJ heat shock protein family (Hsp40) member C6; plus strand). Cytogenetic location: 1p31.3.
Variant type: single nucleotide variant.
Coding change: c.1871C>T on transcript NM_001256864.2 (MANE Select); coding-DNA position 1871, C replaced by T.
Protein change: p.Thr624Ile; replaces threonine 624 with isoleucine.
Molecular consequence: missense variant.
Genome position (GRCh38, 1-based): chr1:65,392,833, C>T. VCF-style: chr1-65392833-C-T. GRCh37 (hg19) VCF-style: chr1-65858516-C-T.
Other names: c.1661C>T, p.Thr554Ile (NM_001256865.2); c.1700C>T, p.Thr567Ile (NM_014787.4); short protein forms T554I, T624I, T567I.
Identifiers: ClinVar variation 2229538 (VCV002229538.2), dbSNP rs1553147125, ClinGen allele CA340689787.